The following is an entry in ClinVar:

NM_002693.3(POLG):c.3253C>A (p.Pro1085Thr)

Gene: POLG (DNA polymerase gamma, catalytic subunit; minus strand). Cytogenetic location: 15q26.1.
Variant type: single nucleotide variant.
Coding change: c.3253C>A on transcript NM_002693.3 (MANE Select); coding-DNA position 3253, C replaced by A.
Protein change: p.Pro1085Thr; replaces proline 1085 with threonine.
Molecular consequence: missense variant.
Genome position (GRCh38, 1-based): chr15:89,318,951, G>T on the plus strand (C>A on the coding strand, the complement: POLG is on the minus strand). VCF-style: chr15-89318951-G-T. GRCh37 (hg19) VCF-style: chr15-89862182-G-T.
Other names: c.3253C>A, p.Pro1085Thr (NM_001126131.2); short protein forms P1085T.
Identifiers: ClinVar variation 2786119 (VCV002786119.3), dbSNP rs2055351331, ClinGen allele CA393750495.
Genomic context (GRCh38, chr15:89,318,951, plus strand): 5'-CTGGGGCCCCTCTGCCCATGCTCCAAAGGTAGCAAGATACCTCTTCCTGGACAGCCGAGG[G>T]CTCCAGGGCTCGGCTGATGCAGCAGCCCAGCACCGGGGTACGTGGTATGTCAGACGTAGC-3'
Protein context (NP_002684.1, residues 1075-1095): LGCCISRALE[Pro1085Thr]SAVQEEFMTS

ClinVar aggregate classification (germline): Uncertain significance (1 of 4 stars; one submission).

Conditions:
Progressive sclerosing poliodystrophy (MTDPS4A). Also called: ALPERS PROGRESSIVE INFANTILE POLIODYSTROPHY; NEURONAL DEGENERATION OF CHILDHOOD WITH LIVER DISEASE, PROGRESSIVE; Alpers Syndrome; ALPERS DIFFUSE DEGENERATION OF CEREBRAL GRAY MATTER WITH HEPATIC CIRRHOSIS; Alpers-Huttenlocher Syndrome; Mitochondrial DNA Depletion Syndrome 4A. Identifiers: Orphanet 726, MedGen C0205710, MONDO:0008758, OMIM 203700.

Allele frequency attached by ClinVar (database versions not stated): TOPMed below 0.00001.

Submission:

Labcorp Genetics (formerly Invitae), Labcorp
Classification: Uncertain significance for Progressive sclerosing poliodystrophy. Last evaluated: 2024-02-09. Review status: criteria provided, single submitter. Criteria: Invitae Variant Classification Sherloc (09022015). Collection method: clinical testing. Allele origin: germline.
Comment: This sequence change replaces proline, which is neutral and non-polar, with threonine, which is neutral and polar, at codon 1085 of the POLG protein (p.Pro1085Thr). This variant is not present in population databases (gnomAD no frequency). This variant has not been reported in the literature in individuals affected with POLG-related conditions. Advanced modeling of protein sequence and biophysical properties (such as structural, functional, and spatial information, amino acid conservation, physicochemical variation, residue mobility, and thermodynamic stability) performed at Invitae indicates that this missense variant is expected to disrupt POLG protein function with a positive predictive value of 95%. In summary, the available evidence is currently insufficient to determine the role of this variant in disease. Therefore, it has been classified as a Variant of Uncertain Significance.